The following is an entry in ClinVar:

ClinVar aggregate classification (germline): Likely pathogenic (1 of 4 stars; one submission).

Conditions:
Hypotonia, infantile, with psychomotor retardation and characteristic facies 2 (IHPRF2). Also called: UNC80 Deficiency. Identifiers: Orphanet 371364, Orphanet 700333, MedGen C4225203, MONDO:0014777, OMIM 616801.

Submission:

Illumina Laboratory Services, Illumina
Classification: Likely pathogenic for Hypotonia, infantile, with psychomotor retardation and characteristic facies 2. Last evaluated: 2023-08-01. Review status: criteria provided, single submitter. Criteria: ICSLVariantClassificationCriteria RUGD 01 April 2020. Collection method: clinical testing. Allele origin: unknown.
Comment: The UNC80 c.8020_8021insTGAA (p.Ser2674MetfsTer57) variant causes a shift in the protein reading frame that is predicted to result in premature termination of the encoded protein. Loss of normal protein function through either protein truncation or nonsense-mediated mRNA decay is expected. To our knowledge, this variant has not been reported in the peer-reviewed literature. This variant is not observed in version 2.1.1 or version 3.1.2 of the Genome Aggregation Database. This variant was detected in a homozygous state. Based on the available evidence, the c.8020_8021insTGAA (p.Ser2674MetfsTer57) variant is classified as likely pathogenic for infantile hypotonia with psychomotor retardation and characteristic facies.

NM_001371986.1(UNC80):c.8218_8219insTGAA (p.Ser2740fs)

Gene: UNC80 (unc-80 subunit of NALCN channel complex; plus strand). Cytogenetic location: 2q34.
Variant type: Insertion.
Coding change: c.8218_8219insTGAA on transcript NM_001371986.1 (MANE Select); coding-DNA positions 8218 to 8219, TGAA inserted.
Protein change: p.Ser2740fs; shifts the reading frame from serine 2740.
Molecular consequence: frameshift variant.
Genome position: GRCh38 VCF-style: chr2-209970918-C-CATGA. GRCh37 (hg19) VCF-style: chr2-210835642-C-CATGA.
Other names: c.8020_8021insTGAA, p.Ser2674fs (NM_032504.2); c.8005_8006insTGAA, p.Ser2669fs (NM_182587.4); short protein forms S2669fs, S2674fs, S2740fs.
Identifiers: ClinVar variation 2627926 (VCV002627926.1), dbSNP rs2471224032, ClinGen allele CA2586963964.